The following is an entry in ClinVar:

ClinVar aggregate classification (germline): Uncertain significance. Review status: criteria provided, multiple submitters, no conflicts (2 of 4 stars). 2 submissions from 2 submitters: Uncertain significance (2). Last evaluated 2022-12-18.

Conditions:
Hereditary cancer-predisposing syndrome. Also called: Neoplastic Syndromes, Hereditary; Tumor predisposition; Hereditary Cancer Syndrome; Hereditary neoplastic syndrome. Identifiers: Orphanet 140162, MedGen C0027672, MeSH D009386, MONDO:0015356.

Allele frequency attached by ClinVar (database versions not stated): gnomAD exomes below 0.00001; ExAC 0.00001; ESP Exome Variant Server 0.00008.
gnomAD v4.1: 2 of 1,614,072 alleles (0.00012%); highest among the groups gnomAD compares: Non-Finnish European, 0.00017%; no homozygotes.

Submissions (2):

Ambry Genetics
Classification: Uncertain significance for Hereditary cancer-predisposing syndrome. Last evaluated: 2022-12-18. Review status: criteria provided, single submitter. Criteria: Ambry Variant Classification Scheme 2023. Collection method: clinical testing. Allele origin: germline.
Comment: The p.T43M variant (also known as c.128C>T), located in coding exon 1 of the RAD50 gene, results from a C to T substitution at nucleotide position 128. The threonine at codon 43 is replaced by methionine, an amino acid with similar properties. This variant was previously reported in the SNPDatabase as rs369819304. Based on data from the NHLBI Exome Sequencing Project (ESP), the T allele has an overall frequency of approximately 0.01% (1/13006) total alleles studied and 0.01% (1/8600) European American alleles. To date, this alteration has been detected with an allele frequency of approximately 0.001% (greater than 175000 alleles tested) in our clinical cohort. This amino acid position is well conserved in available vertebrate species. In addition, this alteration is predicted to be deleterious by in silico analysis. Since supporting evidence is limited at this time, the clinical significance of this alteration remains unclear.

Labcorp Genetics (formerly Invitae), Labcorp
Classification: Uncertain significance for Hereditary cancer-predisposing syndrome. Last evaluated: 2022-02-02. Review status: criteria provided, single submitter. Criteria: Invitae Variant Classification Sherloc (09022015). Collection method: clinical testing. Allele origin: germline.
Comment: In summary, the available evidence is currently insufficient to determine the role of this variant in disease. Therefore, it has been classified as a Variant of Uncertain Significance. Algorithms developed to predict the effect of missense changes on protein structure and function are either unavailable or do not agree on the potential impact of this missense change (SIFT: "Deleterious"; PolyPhen-2: "Probably Damaging"; Align-GVGD: "Class C0"). ClinVar contains an entry for this variant (Variation ID: 484651). This variant has not been reported in the literature in individuals affected with RAD50-related conditions. This variant is present in population databases (rs369819304, gnomAD 0.0009%). This sequence change replaces threonine, which is neutral and polar, with methionine, which is neutral and non-polar, at codon 43 of the RAD50 protein (p.Thr43Met).

NM_005732.4(RAD50):c.128C>T (p.Thr43Met)

Gene: RAD50 (RAD50 double strand break repair protein; plus strand). Cytogenetic location: 5q31.1.
Variant type: single nucleotide variant.
Coding change: c.128C>T on transcript NM_005732.4 (MANE Select); coding-DNA position 128, C replaced by T.
Protein change: p.Thr43Met; replaces threonine 43 with methionine.
Molecular consequence: missense variant.
Genome position (GRCh38, 1-based): chr5:132,557,452, C>T. VCF-style: chr5-132557452-C-T. GRCh37 (hg19) VCF-style: chr5-131893144-C-T.
Other names: short protein forms T43M.
Identifiers: ClinVar variation 484651 (VCV000484651.11), dbSNP rs369819304, ClinGen allele CA3404892.